The following is an entry in ClinVar:

NM_015631.6(TCTN3):c.1499T>C (p.Ile500Thr)

Gene: TCTN3 (tectonic family member 3; minus strand). Cytogenetic location: 10q24.1.
Variant type: single nucleotide variant.
Coding change: c.1499T>C on transcript NM_015631.6 (MANE Select); coding-DNA position 1499, T replaced by C.
Protein change: p.Ile500Thr; replaces isoleucine 500 with threonine.
Molecular consequence: missense variant.
Genome position (GRCh38, 1-based): chr10:95,680,563, A>G on the plus strand (T>C on the coding strand, the complement: TCTN3 is on the minus strand). VCF-style: chr10-95680563-A-G. GRCh37 (hg19) VCF-style: chr10-97440320-A-G.
Other names: c.1553T>C, p.Ile518Thr (NM_001013840.1); c.1055T>C, p.Ile352Thr (NM_001143973.2); c.1403T>C, p.Ile468Thr (NM_001410982.1); short protein forms I352T, I468T, I500T, I518T.
Identifiers: ClinVar variation 1720397 (VCV001720397.5), dbSNP rs1327433488, ClinGen allele CA377702038.

ClinVar aggregate classification (germline): Uncertain significance (1 of 4 stars; one submission).

Conditions:
Joubert syndrome 18 (JBTS18). Identifiers: Orphanet 2754, MedGen C3553758, MONDO:0013896, OMIM 614815.
Orofacial-digital syndrome IV (OFD4). Also called: BARAITSER-BURN SYNDROME; OFD SYNDROME WITH TIBIAL DEFECTS; OFD SYNDROME, BARAITSER-BURN TYPE; OFDS IV; ORAL-FACIAL-DIGITAL SYNDROME, TYPE IV; MOHR-MAJEWSKI SYNDROME. Identifiers: Orphanet 2753, MedGen C0406727, MONDO:0009794, OMIM 258860.

Submission:

Labcorp Genetics (formerly Invitae), Labcorp
Classification: Uncertain significance for Joubert syndrome 18; Orofacial-digital syndrome IV. Last evaluated: 2025-05-27. Review status: criteria provided, single submitter. Criteria: Invitae Variant Classification Sherloc (09022015). Collection method: clinical testing. Allele origin: germline.
Comment: This sequence change replaces isoleucine, which is neutral and non-polar, with threonine, which is neutral and polar, at codon 500 of the TCTN3 protein (p.Ile500Thr). This variant is present in population databases (no rsID available, gnomAD 0.003%). This variant has not been reported in the literature in individuals affected with TCTN3-related conditions. ClinVar contains an entry for this variant (Variation ID: 1720397). Invitae Evidence Modeling of protein sequence and biophysical properties (such as structural, functional, and spatial information, amino acid conservation, physicochemical variation, residue mobility, and thermodynamic stability) indicates that this missense variant is expected to disrupt TCTN3 protein function with a positive predictive value of 80%. In summary, the available evidence is currently insufficient to determine the role of this variant in disease. Therefore, it has been classified as a Variant of Uncertain Significance.